The following is an entry in ClinVar:

NM_014112.5(TRPS1):c.1179_1180insTA (p.Lys394Ter)

Gene: TRPS1 (transcriptional repressor GATA binding 1; minus strand). Cytogenetic location: 8q23.3.
Variant type: Insertion.
Coding change: c.1179_1180insTA on transcript NM_014112.5 (MANE Select); coding-DNA positions 1179 to 1180, TA inserted.
Protein change: p.Lys394Ter; replaces lysine 394 with a stop codon.
Molecular consequence: nonsense.
Genome position: GRCh38 VCF-style: chr8-115604789-T-TTA. GRCh37 (hg19) VCF-style: chr8-116617016-T-TTA.
Other names: c.1152_1153insTA, p.Lys385Ter (NM_001282902.3); c.1158_1159insTA, p.Lys387Ter (NM_001282903.3); c.1140_1141insTA, p.Lys381Ter (NM_001330599.2); short protein forms K381*, K385*, K387*, K394*.
Identifiers: ClinVar variation 4531308 (VCV004531308.1).

ClinVar aggregate classification (germline): Likely pathogenic (1 of 4 stars; one submission).

Conditions:
Trichorhinophalangeal dysplasia type I (TRPS1). Also called: TRICHORHINOPHALANGEAL SYNDROME, TYPE I; TRPS I. Identifiers: Orphanet 77258, MedGen C0432233, MONDO:0008596, OMIM 190350.

Submission:

Department of Pediatric Genetics, University of Health Sciences, Ankara Bilkent City Children’s Hospital
Classification: Likely pathogenic for Trichorhinophalangeal dysplasia type I. Last evaluated: 2025-11-20. Review status: criteria provided, single submitter. Criteria: ACMG Guidelines, 2015. Collection method: clinical testing. Allele origin: de novo. Affected: yes.
Comment: The c.1179_1180insTA variant in the TRPS1 gene (NM_014112.5) is a nonsense located in exon 4 and has not been previously reported in ClinVar. This variant is predicted to result in loss of function due to a truncated or absent protein (PVS1). The allele frequency of this variant is not reported, and it is absent from population databases such as gnomAD (PM2). In summary, this variant meets the criteria to be classified as likely pathogenic for Trichorhinophalangeal syndrome type I (OMIM #190350), based on the ACMG guidelines (Richards et al., 2015), with supporting evidence from criteria PVS1, PM2.